The following is an entry in ClinVar:

NM_000053.4(ATP7B):c.2298G>A (p.Thr766=)

Gene: ATP7B (ATPase copper transporting beta; minus strand). Cytogenetic location: 13q14.3.
Variant type: single nucleotide variant.
Coding change: c.2298G>A on transcript NM_000053.4 (MANE Select); coding-DNA position 2298, G replaced by A.
Protein change: p.Thr766=; no amino-acid change (threonine 766 retained).
Molecular consequence: synonymous variant. On other transcripts: intron variant (2).
Genome position (GRCh38, 1-based): chr13:51,958,368, C>T on the plus strand (G>A on the coding strand, the complement: ATP7B is on the minus strand). VCF-style: chr13-51958368-C-T. GRCh37 (hg19) VCF-style: chr13-52532504-C-T.
Other names: c.1965G>A, p.Thr655= (NM_001243182.2); c.2046G>A, p.Thr682= (NM_001330579.2); c.1870-761G>A (NM_001005918.3); c.2122-761G>A (NM_001330578.2).
Identifiers: ClinVar variation 1103327 (VCV001103327.14), dbSNP rs759444110, ClinGen allele CA6989068.
Genomic context (GRCh38, chr13:51,958,368, plus strand): 5'-TACCTTTGCCAAGTGTTCCAGCCACCGGCCCAGGGCAATGAACACAAAGAGCATGGGGGG[C>T]GTGTCGAAGAATGTCACAGGGCTCCTCTCCGCCTTCTCAGCCACAGCAACCACCAGGATG-3'
Protein context (NP_000044.2, residues 756-776): AERSPVTFFD[Thr766=]PPMLFVFIAL

ClinVar aggregate classification (germline): Likely benign. Review status: criteria provided, multiple submitters, no conflicts (2 of 4 stars). 6 submissions from 6 submitters: Likely benign (6). Last evaluated 2026-07-01.

Conditions:
Wilson disease (WND). Also called: Wilson's disease. Identifiers: Orphanet 905, MedGen C0019202, MONDO:0010200, OMIM 277900. Disease mechanism: loss of function.

Allele frequency attached by ClinVar (database versions not stated): ExAC 0.00003; gnomAD exomes 0.00003.
gnomAD v4.1: 24 of 1,614,036 alleles (0.0015%); highest among the groups gnomAD compares: South Asian, 0.013%; no homozygotes.

Submissions (6):

CeGaT Center for Human Genetics Tuebingen
Classification: Likely benign. Last evaluated: 2026-07-01. Review status: criteria provided, single submitter. Criteria: CeGaT Center For Human Genetics Tuebingen Variant Classification Criteria Version 2. Collection method: clinical testing. Allele origin: germline. Affected: yes. Observed: 1 variant allele.
Comment: ATP7B: BP4, BP7

Labcorp Genetics (formerly Invitae), Labcorp
Classification: Likely benign for Wilson disease. Last evaluated: 2025-11-12. Review status: criteria provided, single submitter. Criteria: Invitae Variant Classification Sherloc (09022015). Collection method: clinical testing. Allele origin: germline.

ARUP Laboratories, Molecular Genetics and Genomics, ARUP Laboratories
Classification: Likely benign for Wilson disease. Last evaluated: 2024-12-04. Review status: criteria provided, single submitter. Criteria: ARUP Molecular Germline Variant Investigation Process 2024. Collection method: clinical testing. Allele origin: germline.

All of Us Research Program, National Institutes of Health
Classification: Likely benign for Wilson disease. Last evaluated: 2024-02-05. Review status: criteria provided, single submitter. Criteria: ACMG Guidelines, 2015. Collection method: clinical testing. Allele origin: germline. Inheritance: Autosomal recessive inheritance. Observed: 5 variant alleles, 5 heterozygotes.
Comment: This study involves interpretation of variants in research participants for the purpose of population health screening. Participant phenotype was not available at the time of variant classification. Additional details can be found in publication PMID: 35346344, PMCID: PMC8962531

Color Diagnostics, LLC DBA Color Health
Classification: Likely benign for Wilson disease. Last evaluated: 2022-04-22. Review status: criteria provided, single submitter. Criteria: ACMG Guidelines, 2015. Collection method: clinical testing. Allele origin: germline.

Fulgent Genetics
Classification: Likely benign for Wilson disease. Last evaluated: 2022-02-02. Review status: criteria provided, single submitter. Criteria: ACMG Guidelines, 2015. Collection method: clinical testing. Allele origin: unknown.